The following is an entry in ClinVar:

NM_003470.3(USP7):c.174C>G (p.Asp58Glu)

Gene: USP7 (ubiquitin specific peptidase 7; minus strand). Cytogenetic location: 16p13.2.
Variant type: single nucleotide variant.
Coding change: c.174C>G on transcript NM_003470.3 (MANE Select); coding-DNA position 174, C replaced by G.
Protein change: p.Asp58Glu; replaces aspartic acid 58 with glutamic acid.
Molecular consequence: missense variant. On other transcripts: 5 prime UTR variant (2), non-coding transcript variant (1).
Genome position (GRCh38, 1-based): chr16:8,930,303, G>C on the plus strand (C>G on the coding strand, the complement: USP7 is on the minus strand). VCF-style: chr16-8930303-G-C. GRCh37 (hg19) VCF-style: chr16-9024160-G-C.
Other names: c.126C>G, p.Asp42Glu (NM_001286457.2); c.-299C>G (NM_001286458.2); c.-1C>G (NM_001321858.2); short protein forms D42E, D58E.
Identifiers: ClinVar variation 3360799 (VCV003360799.1).

ClinVar aggregate classification (germline): Uncertain significance (1 of 4 stars; one submission).

Submission:

GeneDx
Classification: Uncertain significance. Last evaluated: 2023-07-03. Review status: criteria provided, single submitter. Criteria: GeneDx Variant Classification Process June 2021. Collection method: clinical testing. Allele origin: germline. Affected: yes.
Comment: Not observed at significant frequency in large population cohorts (gnomAD); In silico analysis supports that this missense variant does not alter protein structure/function; Has not been previously published as pathogenic or benign to our knowledge